The following is an entry in ClinVar:

ClinVar aggregate classification (germline): Conflicting classifications of pathogenicity. Review status: criteria provided, conflicting classifications (1 of 4 stars). 5 submissions from 5 submitters: Uncertain significance (3); Likely benign (1). 1 of the submissions does not count toward it. Last evaluated 2025-10-09.

Conditions:
Marfan syndrome (MFS). Also called: Marfan syndrome, classic; FBN1-Related Marfan Syndrome; Marfan syndrome type 1; Marfan's syndrome; MARFAN SYNDROME, TYPE I. Identifiers: Orphanet 284963, Orphanet 558, MedGen C0024796, MONDO:0007947, OMIM 154700.
Familial thoracic aortic aneurysm and aortic dissection (TAAD). Also called: Thoracic aortic aneurysms and dissections. Identifiers: Orphanet 91387, MedGen C4707243, MONDO:0019625.

Allele frequency attached by ClinVar (database versions not stated): gnomAD exomes below 0.00001 and 0.00001; ESP Exome Variant Server 0.00008; TOPMed below 0.00001; ExAC 0.00001; gnomAD 0.00001.
gnomAD v4.1: 3 of 1,614,066 alleles (0.00019%); highest among the groups gnomAD compares: East Asian, 0.0045%; no homozygotes.

Submissions (5):

Labcorp Genetics (formerly Invitae), Labcorp
Classification: Likely benign for Marfan syndrome; Familial thoracic aortic aneurysm and aortic dissection. Last evaluated: 2025-10-09. Review status: criteria provided, single submitter. Criteria: Invitae Variant Classification Sherloc (09022015). Collection method: clinical testing. Allele origin: germline.

Women's Health and Genetics/Laboratory Corporation of America, LabCorp
Classification: Uncertain significance. Last evaluated: 2024-09-10. Review status: criteria provided, single submitter. Criteria: LabCorp Variant Classification Summary - May 2015. Collection method: clinical testing. Allele origin: germline.
Comment: Variant summary: FBN1 c.8494A>G (p.Ser2832Gly) results in a non-conservative amino acid change in the encoded protein sequence. Three of five in-silico tools predict a benign effect of the variant on protein function. The variant allele was found at a frequency of 8e-06 in 251370 control chromosomes. The available data on variant occurrences in the general population are insufficient to allow any conclusion about variant significance. c.8494A>G has been reported in the literature in individuals affected with clinical features of Marfan Syndrome (Hung_2009, Han_2024). These report(s) do not provide unequivocal conclusions about association of the variant with Marfan Syndrome. To our knowledge, no experimental evidence demonstrating an impact on protein function has been reported. The following publications have been ascertained in the context of this evaluation (PMID: 38958168, 19839986). ClinVar contains an entry for this variant (Variation ID: 161236). Based on the evidence outlined above, the variant was classified as uncertain significance.

All of Us Research Program, National Institutes of Health
Classification: Uncertain significance for Marfan syndrome. Last evaluated: 2023-05-04. Review status: criteria provided, single submitter. Criteria: ACMG Guidelines, 2015. Collection method: clinical testing. Allele origin: germline. Inheritance: Autosomal dominant inheritance. Observed: 1 variant allele, 1 heterozygote.
Comment: This missense variant replaces serine with glycine at codon 2832 of the FBN1 protein. Computational prediction is inconclusive regarding the impact of this variant on protein structure and function (internally defined REVEL score threshold 0.5 < inconclusive < 0.7, PMID: 27666373). Splice site prediction tools suggest that this variant may not impact RNA splicing. To our knowledge, functional studies have not been performed for this variant. This variant has been reported in an individual affected with Marfan syndrome (PMID: 19839986). This variant has also been identified in 3/282766 chromosomes in the general population by the Genome Aggregation Database (gnomAD). The available evidence is insufficient to determine the role of this variant in disease conclusively. Therefore, this variant is classified as a Variant of Uncertain Significance.

This study involves interpretation of variants in research participants for the purpose of population health screening. Participant phenotype was not available at the time of variant classification. Additional details can be found in publication PMID: 35346344, PMCID: PMC8962531

Color Diagnostics, LLC DBA Color Health
Classification: Uncertain significance for Familial thoracic aortic aneurysm and aortic dissection. Last evaluated: 2023-03-31. Review status: criteria provided, single submitter. Criteria: ACMG Guidelines, 2015. Collection method: clinical testing. Allele origin: germline.
Comment: This missense variant replaces serine with glycine at codon 2832 of the FBN1 protein. Computational prediction is inconclusive regarding the impact of this variant on protein structure and function (internally defined REVEL score threshold 0.5 < inconclusive < 0.7, PMID: 27666373). To our knowledge, functional studies have not been reported for this variant. This variant has been reported in an individual affected with Marfan syndrome (PMID: 19839986). This variant has been identified in 3/282766 chromosomes in the general population by the Genome Aggregation Database (gnomAD). The available evidence is insufficient to determine the role of this variant in disease conclusively. Therefore, this variant is classified as a Variant of Uncertain Significance.

CSER _CC_NCGL, University of Washington
Classification: Uncertain significance for Marfan syndrome. Last evaluated: 2014-06-01. Review status: no assertion criteria provided. Collection method: research. Allele origin: germline. Inheritance: Autosomal dominant inheritance. Study: ESP 6500 variant annotation. Not counted in ClinVar's aggregate classification.
Comment: Variants classified for the Actionable exomic incidental findings in 6503 participants: challenges of variant classification manuscript

Literature cited by the submitters: PubMed 19839986 (cited by 3 submitters); PubMed 38958168 (cited by Women's Health and Genetics/Laboratory Corporation of America, LabCorp).

NM_000138.5(FBN1):c.8494A>G (p.Ser2832Gly)

Gene: FBN1 (fibrillin 1; minus strand). Cytogenetic location: 15q21.1.
Variant type: single nucleotide variant.
Coding change: c.8494A>G on transcript NM_000138.5 (MANE Select); coding-DNA position 8494, A replaced by G.
Protein change: p.Ser2832Gly; replaces serine 2832 with glycine.
Molecular consequence: missense variant.
Genome position (GRCh38, 1-based): chr15:48,411,112, T>C on the plus strand (A>G on the coding strand, the complement: FBN1 is on the minus strand). VCF-style: chr15-48411112-T-C. GRCh37 (hg19) VCF-style: chr15-48703309-T-C.
Other names: short protein forms S2832G.
Identifiers: ClinVar variation 161236 (VCV000161236.12), dbSNP rs376933421, ClinGen allele CA017789.